The following is an entry in ClinVar:

ClinVar aggregate classification (germline): Uncertain significance (1 of 4 stars; one submission).

Allele frequency attached by ClinVar (database versions not stated): TOPMed below 0.00001.

Submission:

Labcorp Genetics (formerly Invitae), Labcorp
Classification: Uncertain significance. Last evaluated: 2022-09-19. Review status: criteria provided, single submitter. Criteria: Invitae Variant Classification Sherloc (09022015). Collection method: clinical testing. Allele origin: germline.
Comment: Algorithms developed to predict the effect of missense changes on protein structure and function are either unavailable or do not agree on the potential impact of this missense change (SIFT: "Deleterious"; PolyPhen-2: "Benign"; Align-GVGD: "Class C0"). In summary, the available evidence is currently insufficient to determine the role of this variant in disease. Therefore, it has been classified as a Variant of Uncertain Significance. Algorithms developed to predict the effect of sequence changes on RNA splicing suggest that this variant may disrupt the consensus splice site. ClinVar contains an entry for this variant (Variation ID: 1362080). This variant has not been reported in the literature in individuals affected with EXOSC2-related conditions. This variant is not present in population databases (gnomAD no frequency). This sequence change replaces glutamic acid, which is acidic and polar, with aspartic acid, which is acidic and polar, at codon 90 of the EXOSC2 protein (p.Glu90Asp).

NM_014285.7(EXOSC2):c.270G>C (p.Glu90Asp)

Gene: EXOSC2 (exosome component 2; plus strand). Cytogenetic location: 9q34.12.
Variant type: single nucleotide variant.
Coding change: c.270G>C on transcript NM_014285.7 (MANE Select); coding-DNA position 270, G replaced by C.
Protein change: p.Glu90Asp; replaces glutamic acid 90 with aspartic acid.
Molecular consequence: missense variant. On other transcripts: non-coding transcript variant (1).
Genome position (GRCh38, 1-based): chr9:130,697,627, G>C. VCF-style: chr9-130697627-G-C. GRCh37 (hg19) VCF-style: chr9-133573014-G-C.
Other names: c.270G>C, p.Glu90Asp (NM_001282708.1, NM_001282709.1); short protein forms E90D.
Identifiers: ClinVar variation 1362080 (VCV001362080.6), dbSNP rs1831124325, ClinGen allele CA375246876.